The following is an entry in ClinVar:

ClinVar aggregate classification (germline): Uncertain significance. Review status: criteria provided, multiple submitters, no conflicts (2 of 4 stars). 4 submissions from 4 submitters: Uncertain significance (3). 1 of the submissions does not count toward it. Last evaluated 2025-03-26.

Conditions:
Noonan syndrome (NS). Also called: Noonan's syndrome. Identifiers: Orphanet 648, MedGen C0028326, MeSH D009634, MONDO:0018997. Disease mechanism: gain of function.
RASopathy. Also called: rasopathies; Noonan spectrum disorder. Identifiers: Orphanet 536391, MedGen C5555857, MONDO:0021060.
Cardiovascular phenotype. Identifiers: MedGen CN230736.

Allele frequency attached by ClinVar (database versions not stated): gnomAD 0.00001; gnomAD exomes 0.00001; TOPMed 0.00002; ExAC 0.00003.
gnomAD v4.1: 12 of 1,523,126 alleles (0.00079%); highest among the groups gnomAD compares: Non-Finnish European, 0.0011%; no homozygotes.

Submissions (4):

Labcorp Genetics (formerly Invitae), Labcorp
Classification: Uncertain significance for RASopathy. Last evaluated: 2025-03-26. Review status: criteria provided, single submitter. Criteria: Invitae Variant Classification Sherloc (09022015). Collection method: clinical testing. Allele origin: germline.
Comment: This sequence change replaces leucine, which is neutral and non-polar, with proline, which is neutral and non-polar, at codon 9 of the MAP2K2 protein (p.Leu9Pro). The frequency data for this variant in the population databases is considered unreliable, as metrics indicate poor data quality at this position in the gnomAD database. This variant has not been reported in the literature in individuals affected with MAP2K2-related conditions. ClinVar contains an entry for this variant (Variation ID: 40765). Invitae Evidence Modeling of protein sequence and biophysical properties (such as structural, functional, and spatial information, amino acid conservation, physicochemical variation, residue mobility, and thermodynamic stability) has been performed for this missense variant. However, the output from this modeling did not meet the statistical confidence thresholds required to predict the impact of this variant on MAP2K2 protein function. In summary, the available evidence is currently insufficient to determine the role of this variant in disease. Therefore, it has been classified as a Variant of Uncertain Significance.

Ambry Genetics
Classification: Uncertain significance for Cardiovascular phenotype. Last evaluated: 2021-10-21. Review status: criteria provided, single submitter. Criteria: Ambry Variant Classification Scheme 2023. Collection method: clinical testing. Allele origin: germline.
Comment: The p.L9P variant (also known as c.26T>C), located in coding exon 1 of the MAP2K2 gene, results from a T to C substitution at nucleotide position 26. The leucine at codon 9 is replaced by proline, an amino acid with similar properties. This amino acid position is conserved. In addition, this alteration is predicted to be tolerated by in silico analysis. Since supporting evidence is limited at this time, the clinical significance of this alteration remains unclear.

Women's Health and Genetics/Laboratory Corporation of America, LabCorp
Classification: Uncertain significance. Last evaluated: 2020-07-07. Review status: criteria provided, single submitter. Criteria: LabCorp Variant Classification Summary - May 2015. Collection method: clinical testing. Allele origin: germline.
Comment: Variant summary: MAP2K2 c.26T>C (p.Leu9Pro) results in a non-conservative amino acid change in the encoded protein sequence. Three of five in-silico tools predict a damaging effect of the variant on protein function. The variant allele was found at a frequency of 6.4e-06 in 155236 control chromosomes (gnomAD). The available data on variant occurrences in the general population are insufficient to allow any conclusion about variant significance. To our knowledge, no occurrence of c.26T>C in individuals affected with Cardiofaciocutaneous Syndrome and no experimental evidence demonstrating its impact on protein function have been reported. One clinical diagnostic laboratory has submitted clinical-significance assessments for this variant to ClinVar after 2014 without evidence for independent evaluation and cited the variant as uncertain significance. Based on the evidence outlined above, the variant was classified as uncertain significance.

Service de Génétique Moléculaire, Hôpital Robert Debré
Classification: Uncertain significance for Noonan syndrome. Review status: no assertion criteria provided. Collection method: clinical testing. Allele origin: unknown. Affected: yes. Not counted in ClinVar's aggregate classification.

NM_030662.4(MAP2K2):c.26T>C (p.Leu9Pro)

Genes: MAP2K2 (mitogen-activated protein kinase kinase 2; minus strand), LOC130063193 (ATAC-STARR-seq lymphoblastoid silent region 9881; plus strand). Cytogenetic location: 19p13.3.
Variant type: single nucleotide variant.
Coding change: c.26T>C on transcript NM_030662.4 (MANE Select); coding-DNA position 26, T replaced by C.
Protein change: p.Leu9Pro; replaces leucine 9 with proline.
Molecular consequence: missense variant.
Genome position (GRCh38, 1-based): chr19:4,123,850, A>G on the plus strand (T>C on the coding strand, the complement: MAP2K2 is on the minus strand). VCF-style: chr19-4123850-A-G. GRCh37 (hg19) VCF-style: chr19-4123847-A-G.
Other names: short protein forms L9P.
Identifiers: ClinVar variation 40765 (VCV000040765.16), dbSNP rs758307267, ClinGen allele CA9091114.